The following is an entry in ClinVar:

NM_001374736.1(DST):c.14348T>C (p.Val4783Ala)

Gene: DST (dystonin; minus strand). Cytogenetic location: 6p12.1.
Variant type: single nucleotide variant.
Coding change: c.14348T>C on transcript NM_001374736.1 (MANE Select); coding-DNA position 14348, T replaced by C.
Protein change: p.Val4783Ala; replaces valine 4783 with alanine.
Molecular consequence: missense variant.
Genome position (GRCh38, 1-based): chr6:56,560,386, A>G on the plus strand (T>C on the coding strand, the complement: DST is on the minus strand). VCF-style: chr6-56560386-A-G. GRCh37 (hg19) VCF-style: chr6-56425184-A-G.
Other names: c.7991T>C, p.Val2664Ala (NM_001144769.5); c.7577T>C, p.Val2526Ala (NM_001144770.2); c.14348T>C, p.Val4783Ala (NM_001374722.1); c.13715T>C, p.Val4572Ala (NM_001374729.1); c.7457T>C, p.Val2486Ala (NM_001374730.1, NM_001386100.1, NM_183380.4); c.14375T>C, p.Val4792Ala (NM_001374734.1); c.6479T>C, p.Val2160Ala (NM_015548.5); short protein forms V2160A, V2486A, V4572A, V2526A, V4792A, V2664A, V4783A.
Identifiers: ClinVar variation 4791151 (VCV004791151.1).

ClinVar aggregate classification (germline): Uncertain significance (1 of 4 stars; one submission).

Conditions:
Epidermolysis bullosa simplex 3, localized or generalized intermediate, with BP230 deficiency (EBS3). Also called: Epidermolysis bullosa simplex, autosomal recessive 2; Epidermolysis bullosa simplex due to BP230 deficiency. Identifiers: Orphanet 412181, MedGen C3809470, MONDO:0014180, OMIM 615425.
Hereditary sensory and autonomic neuropathy type 6. Also called: HSAN VI; Neuropathy, hereditary sensory and autonomic, type VI. Identifiers: Orphanet 314381, MedGen C3539003, MONDO:0013839, OMIM 614653.

Submission:

Labcorp Genetics (formerly Invitae), Labcorp
Classification: Uncertain significance for Epidermolysis bullosa simplex 3, localized or generalized intermediate, with BP230 deficiency; Hereditary sensory and autonomic neuropathy type 6. Last evaluated: 2025-02-25. Review status: criteria provided, single submitter. Criteria: Invitae Variant Classification Sherloc (09022015). Collection method: clinical testing. Allele origin: germline.
Comment: The DST gene has multiple clinically relevant transcripts. This variant occurs in alternate transcript NM_015548.4, and corresponds to NM_001723.5:c.*55131T>C in the primary transcript. This sequence change replaces valine, which is neutral and non-polar, with alanine, which is neutral and non-polar, at codon 2160 of the DST protein (p.Val2160Ala). This variant is not present in population databases (gnomAD no frequency). This variant has not been reported in the literature in individuals affected with DST-related conditions. Experimental studies and prediction algorithms are not available or were not evaluated, and the functional significance of this variant is currently unknown. In summary, the available evidence is currently insufficient to determine the role of this variant in disease. Therefore, it has been classified as a Variant of Uncertain Significance.